The following is an entry in ClinVar:

NM_000051.4(ATM):c.8151+11C>T

Genes: ATM (ATM serine/threonine kinase; plus strand), C11orf65 (chromosome 11 open reading frame 65; minus strand). Cytogenetic location: 11q22.3.
Variant type: single nucleotide variant.
Coding change: c.8151+11C>T on transcript NM_000051.4 (MANE Select); 11 bases into the intron after coding-DNA position 8151, C replaced by T.
Molecular consequence: intron variant.
Genome position (GRCh38, 1-based): chr11:108,335,120, C>T. VCF-style: chr11-108335120-C-T. GRCh37 (hg19) VCF-style: chr11-108205847-C-T.
Other names: c.8151+11C>T (NM_001351834.2); c.641-26049G>A (NM_001330368.2); c.*38+100G>A (NM_001351110.2).
Identifiers: ClinVar variation 377522 (VCV000377522.17), dbSNP rs555381912, ClinGen allele CA6266281.

ClinVar aggregate classification (germline): Benign/Likely benign. Review status: criteria provided, multiple submitters, no conflicts (2 of 4 stars). 8 submissions from 8 submitters: Benign (1); Likely benign (6). 1 of the submissions does not count toward it. Last evaluated 2026-02-01.

Conditions:
Malignant tumor of breast. Also called: Malignant breast neoplasm; Cancer breast. Identifiers: MedGen C0006142, MONDO:0007254. Disease mechanism: loss of function.
Ataxia-telangiectasia syndrome (AT). Also called: Ataxia-telangiectasia, complementation group D; Ataxia-telangiectasia, complementation group E; LOUIS-BAR SYNDROME; AT, COMPLEMENTATION GROUP C; ATAXIA-TELANGIECTASIA, COMPLEMENTATION GROUP A; ATAXIA-TELANGIECTASIA, FRESNO VARIANT. Identifiers: Orphanet 100, MedGen C0004135, MONDO:0008840, OMIM 208900.
Hereditary cancer-predisposing syndrome. Also called: Neoplastic Syndromes, Hereditary; Hereditary neoplastic syndrome; Hereditary Cancer Syndrome; Tumor predisposition. Identifiers: Orphanet 140162, MedGen C0027672, MeSH D009386, MONDO:0015356.

Allele frequency attached by ClinVar (database versions not stated): gnomAD exomes 0.00001 and 0.00008; TOPMed 0.00003; gnomAD 0.00003 and 0.00002; ExAC 0.00007; 1000 Genomes Project 30x 0.00016; 1000 Genomes Project 0.00020.
gnomAD v4.1: 25 of 1,613,890 alleles (0.0015%); highest among the groups gnomAD compares: East Asian, 0.042%; no homozygotes.

Submissions (8):

Labcorp Genetics (formerly Invitae), Labcorp
Classification: Likely benign for Ataxia-telangiectasia syndrome. Last evaluated: 2026-02-01. Review status: criteria provided, single submitter. Criteria: Invitae Variant Classification Sherloc (09022015). Collection method: clinical testing. Allele origin: germline.

Blueprint Genetics
Classification: Likely benign. Last evaluated: 2021-10-05. Review status: criteria provided, single submitter. Criteria: ACMG Guidelines, 2015. Collection method: clinical testing. Allele origin: germline.

Sema4
Classification: Likely benign for Hereditary cancer-predisposing syndrome. Last evaluated: 2021-01-26. Review status: criteria provided, single submitter. Criteria: Sema4 Curation Guidelines. Collection method: curation. Allele origin: germline.

Genetic Services Laboratory, University of Chicago
Classification: Likely benign. Last evaluated: 2019-03-04. Review status: criteria provided, single submitter. Criteria: ACMG Guidelines, 2015. Collection method: clinical testing. Allele origin: germline. Affected: no.

PreventionGenetics, part of Exact Sciences
Classification: Likely benign. Last evaluated: 2017-11-14. Review status: criteria provided, single submitter. Criteria: ACMG Guidelines, 2015. Collection method: clinical testing. Allele origin: germline.

Color Diagnostics, LLC DBA Color Health
Classification: Likely benign for Hereditary cancer-predisposing syndrome. Last evaluated: 2016-06-28. Review status: criteria provided, single submitter. Criteria: ACMG Guidelines, 2015. Collection method: clinical testing. Allele origin: germline.

GeneDx
Classification: Benign. Last evaluated: 2015-06-15. Review status: criteria provided, single submitter. Criteria: GeneDx Variant Classification (06012015). Collection method: clinical testing. Allele origin: germline. Affected: yes.
Comment: This variant is considered likely benign or benign based on one or more of the following criteria: it is a conservative change, it occurs at a poorly conserved position in the protein, it is predicted to be benign by multiple in silico algorithms, and/or has population frequency not consistent with disease.

Department of Pathology and Laboratory Medicine, Sinai Health System
Classification: Likely benign for Malignant tumor of breast. Review status: no assertion criteria provided. Collection method: clinical testing. Allele origin: unknown. Affected: yes. Observed: 1 variant allele. Study: The Canadian Open Genetics Repository (COGR). Not counted in ClinVar's aggregate classification.
Comment: The ATM c.8151+11C>T variant was not identified in the literature nor was it identified in the Genesight-COGR, Cosmic, MutDB, LOVD 3.0, ATM-LOVD, databases. The variant was identified in dbSNP (ID: rs555381912) as With Benign allele, ClinVar (classified as benign by GeneDx), databases. The variant was identified in control databases in 18 of 246038 chromosomes at a frequency of 0.00007 increasing the likelihood that this may be a low frequency benign variant in certain populations of origin (Genome Aggregation Consortium Feb 27, 2017). The variant occurs outside of the splicing consensus sequence and 1 of 5 in silico or computational prediction software programs (SpliceSiteFinder, MaxEntScan, NNSPLICE, GeneSplicer, HumanSpliceFinder) predict a greater than 10% difference in splicing; this is not very predictive of pathogenicity. In summary, based on the above information, the clinical significance of this variant cannot be determined with certainty at this time although we would lean towards a more benign role for this variant. This variant is classified as likely benign.